The following is an entry in ClinVar:

ClinVar aggregate classification (germline): Likely pathogenic (1 of 4 stars; one submission).

Conditions:
Hereditary cancer-predisposing syndrome. Also called: Neoplastic Syndromes, Hereditary; Tumor predisposition; Hereditary Cancer Syndrome; Hereditary neoplastic syndrome. Identifiers: Orphanet 140162, MedGen C0027672, MeSH D009386, MONDO:0015356.

Submission:

Ambry Genetics
Classification: Likely pathogenic for Hereditary cancer-predisposing syndrome. Last evaluated: 2026-05-22. Review status: criteria provided, single submitter. Criteria: Ambry Variant Classification Scheme 2023. Collection method: clinical testing. Allele origin: germline.
Comment: The c.1510-2A>T intronic variant results from an A to T substitution two nucleotides upstream from coding exon 9 in the DICER1 gene. This nucleotide position is highly conserved in available vertebrate species. Variants that disrupt the canonical splice site are expected to result in aberrant splicing. In silico splice site analysis predicts that this alteration will weaken the native splice acceptor site and will result in the creation or strengthening of a novel splice acceptor site. RNA studies have demonstrated that this variant results in abnormal splicing in the set of samples tested (Ambry internal data). This variant is considered to be rare based on population cohorts in the Genome Aggregation Database (gnomAD). Based on the majority of available evidence to date, this variant is likely to be pathogenic.

NM_177438.3(DICER1):c.1510-2A>T

Gene: DICER1 (dicer 1, ribonuclease III; minus strand). Cytogenetic location: 14q32.13.
Variant type: single nucleotide variant.
Coding change: c.1510-2A>T on transcript NM_177438.3 (MANE Select); the canonical splice acceptor site of the intron before coding-DNA position 1510, A replaced by T.
Molecular consequence: splice acceptor variant. On other transcripts: intron variant (1).
Genome position (GRCh38, 1-based): chr14:95,116,697, T>A on the plus strand (A>T on the coding strand, the complement: DICER1 is on the minus strand). VCF-style: chr14-95116697-T-A. GRCh37 (hg19) VCF-style: chr14-95583034-T-A.
Other names: c.1510-2A>T (NM_001291628.2, NM_030621.4, NM_001395677.1 and 12 more transcripts); c.1105-2A>T (NM_001395690.1, NM_001395687.1, NM_001395689.1 and 3 more transcripts); c.1228-2A>T (NM_001395686.1); c.943-2A>T (NM_001395691.1); c.-59-117A>T (NM_001395697.1).
Identifiers: ClinVar variation 4869750 (VCV004869750.1).